The following is an entry in ClinVar:

NM_007375.4(TARDBP):c.639G>C (p.Gln213His)

Gene: TARDBP (TAR DNA binding protein; plus strand). Cytogenetic location: 1p36.22.
Variant type: single nucleotide variant.
Coding change: c.639G>C on transcript NM_007375.4 (MANE Select); coding-DNA position 639, G replaced by C.
Protein change: p.Gln213His; replaces glutamine 213 with histidine.
Molecular consequence: missense variant.
Genome position (GRCh38, 1-based): chr1:11,020,524, G>C. VCF-style: chr1-11020524-G-C. GRCh37 (hg19) VCF-style: chr1-11080581-G-C.
Other names: short protein forms Q213H.
Identifiers: ClinVar variation 2948303 (VCV002948303.3), dbSNP rs2521324804, ClinGen allele CA338363070.

ClinVar aggregate classification (germline): Uncertain significance (1 of 4 stars; one submission).

Conditions:
Amyotrophic lateral sclerosis type 10 (ALS10). Also called: AMYOTROPHIC LATERAL SCLEROSIS 10 WITHOUT FRONTOTEMPORAL DEMENTIA AND WITH TDP43 INCLUSIONS; AMYOTROPHIC LATERAL SCLEROSIS 10 WITH OR WITHOUT FRONTOTEMPORAL DEMENTIA AND WITH TDP43 INCLUSIONS; AMYOTROPHIC LATERAL SCLEROSIS 10 WITH OR WITHOUT FRONTOTEMPORAL DEMENTIA; TARDBP-Related Amyotrophic Lateral Sclerosis-Frontotemporal Dementia; Amyotrophic lateral sclerosis 10, with or without FTD. Identifiers: Orphanet 275872, Orphanet 803, MedGen C2677565, MONDO:0012790, OMIM 612069.
FRONTOTEMPORAL LOBAR DEGENERATION WITH TDP43 INCLUSIONS, TARDBP-RELATED. Also called: Frontotemporal lobar degeneration, TARDBP-related. Identifiers: MedGen C3150169, OMIM 612069.

Submission:

Labcorp Genetics (formerly Invitae), Labcorp
Classification: Uncertain significance for Amyotrophic lateral sclerosis type 10; FRONTOTEMPORAL LOBAR DEGENERATION WITH TDP43 INCLUSIONS, TARDBP-RELATED. Last evaluated: 2023-05-27. Review status: criteria provided, single submitter. Criteria: Invitae Variant Classification Sherloc (09022015). Collection method: clinical testing. Allele origin: germline.
Comment: In summary, the available evidence is currently insufficient to determine the role of this variant in disease. Therefore, it has been classified as a Variant of Uncertain Significance. Advanced modeling of protein sequence and biophysical properties (such as structural, functional, and spatial information, amino acid conservation, physicochemical variation, residue mobility, and thermodynamic stability) performed at Invitae indicates that this missense variant is not expected to disrupt TARDBP protein function. This variant has not been reported in the literature in individuals affected with TARDBP-related conditions. This variant is not present in population databases (gnomAD no frequency). This sequence change replaces glutamine, which is neutral and polar, with histidine, which is basic and polar, at codon 213 of the TARDBP protein (p.Gln213His).